The following is an entry in ClinVar:

ClinVar aggregate classification (germline): Uncertain significance (1 of 4 stars; one submission).

Allele frequency attached by ClinVar (database versions not stated): ExAC 0.00002.
gnomAD v4.1: 3 of 1,612,780 alleles (0.00019%); highest among the groups gnomAD compares: Admixed American, 0.005%; no homozygotes.

Submission:

Labcorp Genetics (formerly Invitae), Labcorp
Classification: Uncertain significance. Last evaluated: 2025-01-06. Review status: criteria provided, single submitter. Criteria: Invitae Variant Classification Sherloc (09022015). Collection method: clinical testing. Allele origin: germline.
Comment: This sequence change replaces methionine, which is neutral and non-polar, with lysine, which is basic and polar, at codon 440 of the TYRP1 protein (p.Met440Lys). This variant is present in population databases (rs758871299, gnomAD 0.009%). This missense change has been observed in individual(s) with oculocutaneous albinism (internal data). ClinVar contains an entry for this variant (Variation ID: 2421422). Invitae Evidence Modeling of protein sequence and biophysical properties (such as structural, functional, and spatial information, amino acid conservation, physicochemical variation, residue mobility, and thermodynamic stability) indicates that this missense variant is expected to disrupt TYRP1 protein function with a positive predictive value of 80%. In summary, the available evidence is currently insufficient to determine the role of this variant in disease. Therefore, it has been classified as a Variant of Uncertain Significance.

NM_000550.3(TYRP1):c.1319T>A (p.Met440Lys)

Genes: LURAP1L-AS1 (LURAP1L antisense RNA 1; minus strand), TYRP1 (tyrosinase related protein 1; plus strand). Cytogenetic location: 9p23.
Variant type: single nucleotide variant.
Coding change: c.1319T>A on transcript NM_000550.3 (MANE Select); coding-DNA position 1319, T replaced by A.
Protein change: p.Met440Lys; replaces methionine 440 with lysine.
Molecular consequence: missense variant.
Genome position (GRCh38, 1-based): chr9:12,708,054, T>A. VCF-style: chr9-12708054-T-A. GRCh37 (hg19) VCF-style: chr9-12708054-T-A.
Other names: short protein forms M440K.
Identifiers: ClinVar variation 2421422 (VCV002421422.5), dbSNP rs758871299, ClinGen allele CA4985525.